The following is an entry in ClinVar:

NM_002645.4(PIK3C2A):c.4412A>G (p.Asn1471Ser)

Gene: PIK3C2A (phosphatidylinositol-4-phosphate 3-kinase catalytic subunit type 2 alpha; minus strand). Cytogenetic location: 11p15.1.
Variant type: single nucleotide variant.
Coding change: c.4412A>G on transcript NM_002645.4 (MANE Select); coding-DNA position 4412, A replaced by G.
Protein change: p.Asn1471Ser; replaces asparagine 1471 with serine.
Molecular consequence: missense variant.
Genome position (GRCh38, 1-based): chr11:17,094,300, T>C on the plus strand (A>G on the coding strand, the complement: PIK3C2A is on the minus strand). VCF-style: chr11-17094300-T-C. GRCh37 (hg19) VCF-style: chr11-17115847-T-C.
Other names: c.4412A>G, p.Asn1471Ser (NM_001321378.2); c.3272A>G, p.Asn1091Ser (NM_001321380.2); c.4244A>G, p.Asn1415Ser (NM_001386870.1); short protein forms N1471S, N1415S, N1091S.
Identifiers: ClinVar variation 2130331 (VCV002130331.4), dbSNP rs2493943677, ClinGen allele CA379757775.

ClinVar aggregate classification (germline): Uncertain significance (1 of 4 stars; one submission).

Submission:

Labcorp Genetics (formerly Invitae), Labcorp
Classification: Uncertain significance. Last evaluated: 2022-05-27. Review status: criteria provided, single submitter. Criteria: Invitae Variant Classification Sherloc (09022015). Collection method: clinical testing. Allele origin: germline.
Comment: In summary, the available evidence is currently insufficient to determine the role of this variant in disease. Therefore, it has been classified as a Variant of Uncertain Significance. Algorithms developed to predict the effect of sequence changes on RNA splicing suggest that this variant may create or strengthen a splice site. Algorithms developed to predict the effect of missense changes on protein structure and function are either unavailable or do not agree on the potential impact of this missense change (SIFT: "Not Available"; PolyPhen-2: "Probably Damaging"; Align-GVGD: "Not Available"). This variant has not been reported in the literature in individuals affected with PIK3C2A-related conditions. This variant is not present in population databases (gnomAD no frequency). This sequence change replaces asparagine, which is neutral and polar, with serine, which is neutral and polar, at codon 1471 of the PIK3C2A protein (p.Asn1471Ser).